The following is an entry in ClinVar:

NM_001374736.1(DST):c.3602G>T (p.Arg1201Leu)

Gene: DST (dystonin; minus strand). Cytogenetic location: 6p12.1.
Variant type: single nucleotide variant.
Coding change: c.3602G>T on transcript NM_001374736.1 (MANE Select); coding-DNA position 3602, G replaced by T.
Protein change: p.Arg1201Leu; replaces arginine 1201 with leucine.
Molecular consequence: missense variant.
Genome position (GRCh38, 1-based): chr6:56,634,151, C>A on the plus strand (G>T on the coding strand, the complement: DST is on the minus strand). VCF-style: chr6-56634151-C-A. GRCh37 (hg19) VCF-style: chr6-56498949-C-A.
Other names: c.3503G>T, p.Arg1168Leu (NM_001144769.5); c.3089G>T, p.Arg1030Leu (NM_001144770.2); c.3602G>T, p.Arg1201Leu (NM_001374722.1); c.2969G>T, p.Arg990Leu (NM_001374729.1, NM_001374730.1, NM_001386100.1 and 1 more transcripts); c.3629G>T, p.Arg1210Leu (NM_001374734.1); c.1991G>T, p.Arg664Leu (NM_001723.7, NM_015548.5); short protein forms R1201L, R1210L, R664L, R990L, R1030L, R1168L.
Identifiers: ClinVar variation 1446323 (VCV001446323.4), dbSNP rs769812737, ClinGen allele CA364575563.

ClinVar aggregate classification (germline): Uncertain significance (1 of 4 stars; one submission).

Conditions:
Epidermolysis bullosa simplex 3, localized or generalized intermediate, with BP230 deficiency (EBS3). Also called: Epidermolysis bullosa simplex due to BP230 deficiency; Epidermolysis bullosa simplex, autosomal recessive 2. Identifiers: Orphanet 412181, MedGen C3809470, MONDO:0014180, OMIM 615425.
Hereditary sensory and autonomic neuropathy type 6. Also called: HSAN VI; Neuropathy, hereditary sensory and autonomic, type VI. Identifiers: Orphanet 314381, MedGen C3539003, MONDO:0013839, OMIM 614653.

gnomAD v4.1: 8 of 1,613,038 alleles (0.0005%); highest among the groups gnomAD compares: African/African-American, 0.011%; no homozygotes.

Submission:

Labcorp Genetics (formerly Invitae), Labcorp
Classification: Uncertain significance for Epidermolysis bullosa simplex 3, localized or generalized intermediate, with BP230 deficiency; Hereditary sensory and autonomic neuropathy type 6. Last evaluated: 2021-09-02. Review status: criteria provided, single submitter. Criteria: Invitae Variant Classification Sherloc (09022015). Collection method: clinical testing. Allele origin: germline.
Comment: This variant has not been reported in the literature in individuals affected with DST-related conditions. This variant is not present in population databases (ExAC no frequency). This sequence change replaces arginine with leucine at codon 664 of the DST protein (p.Arg664Leu). The arginine residue is highly conserved and there is a moderate physicochemical difference between arginine and leucine. Algorithms developed to predict the effect of missense changes on protein structure and function (SIFT, PolyPhen-2, Align-GVGD) all suggest that this variant is likely to be disruptive. In summary, the available evidence is currently insufficient to determine the role of this variant in disease. Therefore, it has been classified as a Variant of Uncertain Significance.